The following is an entry in ClinVar:

NM_002047.4(GARS1):c.606G>A (p.Met202Ile)

Gene: GARS1 (glycyl-tRNA synthetase 1; plus strand). Cytogenetic location: 7p14.3.
Variant type: single nucleotide variant.
Coding change: c.606G>A on transcript NM_002047.4 (MANE Select); coding-DNA position 606, G replaced by A.
Protein change: p.Met202Ile; replaces methionine 202 with isoleucine.
Molecular consequence: missense variant.
Genome position (GRCh38, 1-based): chr7:30,603,070, G>A. VCF-style: chr7-30603070-G-A. GRCh37 (hg19) VCF-style: chr7-30642686-G-A.
Other names: c.444G>A, p.Met148Ile (NM_001316772.1); short protein forms M148I, M202I.
Identifiers: ClinVar variation 1799918 (VCV001799918.2), dbSNP rs2534293541, ClinGen allele CA367139728.
Genomic context (GRCh38, chr7:30,603,070, plus strand): 5'-TTGGGTTGGCATTTGTTAATTTAGGACCTCTGGCCATGTAGACAAATTTGCTGACTTCAT[G>A]GTGAAAGACGTAAAAAATGGAGAATGTTTTCGTGCTGACCATCTATTAAAAGGTGAGGTT-3'
Protein context (NP_002038.2, residues 192-212): SGHVDKFADF[Met202Ile]VKDVKNGECF

ClinVar aggregate classification (germline): Uncertain significance (1 of 4 stars; one submission).

Submission:

Ambry Genetics
Classification: Uncertain significance. Last evaluated: 2021-06-08. Review status: criteria provided, single submitter. Criteria: Ambry Variant Classification Scheme 2023. Collection method: clinical testing. Allele origin: germline.
Comment: The p.M202I variant (also known as c.606G>A), located in coding exon 5 of the GARS gene, results from a G to A substitution at nucleotide position 606. The methionine at codon 202 is replaced by isoleucine, an amino acid with highly similar properties. This amino acid position is highly conserved in available vertebrate species. In addition, this alteration is predicted to be deleterious by in silico analysis. Since supporting evidence is limited at this time, the clinical significance of this alteration remains unclear.